The following is an entry in ClinVar:

NM_012062.5(DNM1L):c.-25A>G

Gene: DNM1L (dynamin 1 like; plus strand). Cytogenetic location: 12p11.21.
Variant type: single nucleotide variant.
Coding change: c.-25A>G on transcript NM_012062.5 (MANE Select); 25 bases upstream of the start codon, A replaced by G.
Molecular consequence: 5 prime UTR variant.
Genome position (GRCh38, 1-based): chr12:32,679,339, A>G. VCF-style: chr12-32679339-A-G. GRCh37 (hg19) VCF-style: chr12-32832273-A-G.
Other names: c.-25A>G (NM_001278463.2, NM_001278464.2, NM_001278465.2 and 3 more transcripts); c.-230A>G (NM_001278466.2).
Identifiers: ClinVar variation 308384 (VCV000308384.2), dbSNP rs191084732, ClinGen allele CA6507191.

ClinVar aggregate classification (germline): Likely benign. Review status: criteria provided, multiple submitters, no conflicts (2 of 4 stars). 2 submissions from 2 submitters: Likely benign (2). Last evaluated 2016-09-30.

Allele frequency attached by ClinVar (database versions not stated): ESP Exome Variant Server 0.00246; TOPMed 0.00260; ExAC 0.00088; gnomAD exomes 0.00057; gnomAD 0.00215 and 0.00228; 1000 Genomes Project 30x 0.00234; 1000 Genomes Project 0.00220.
gnomAD v4.1: 685 of 1,569,678 alleles (0.044%); highest among the groups gnomAD compares: African/African-American, 0.66%; 1 homozygote.

Submissions (2):

GeneDx
Classification: Likely benign. Last evaluated: 2016-09-30. Review status: criteria provided, single submitter. Criteria: GeneDx Variant Classification (06012015). Collection method: clinical testing. Allele origin: germline. Affected: yes.
Comment: This variant is considered likely benign or benign based on one or more of the following criteria: it is a conservative change, it occurs at a poorly conserved position in the protein, it is predicted to be benign by multiple in silico algorithms, and/or has population frequency not consistent with disease.

Breakthrough Genomics
Classification: Likely benign. Review status: criteria provided, single submitter. Criteria: ACMG Guidelines, 2015. Collection method: not provided. Allele origin: germline. Inheritance: Autosomal recessive inheritance. Affected: yes.